The following is an entry in ClinVar:

NM_080680.3(COL11A2):c.443+4A>G

Gene: COL11A2 (collagen type XI alpha 2 chain; minus strand). Cytogenetic location: 6p21.32.
Variant type: single nucleotide variant.
Coding change: c.443+4A>G on transcript NM_080680.3 (MANE Select); 4 bases into the intron after coding-DNA position 443, A replaced by G.
Molecular consequence: intron variant.
Genome position (GRCh38, 1-based): chr6:33,188,974, T>C on the plus strand (A>G on the coding strand, the complement: COL11A2 is on the minus strand). VCF-style: chr6-33188974-T-C. GRCh37 (hg19) VCF-style: chr6-33156751-T-C.
Other names: c.-404+4A>G (NM_001424111.1, NM_001424110.1, NM_001424109.1); c.443+4A>G (NM_080679.3, NM_080681.3, NM_001424108.1 and 1 more transcripts).
Identifiers: ClinVar variation 2962123 (VCV002962123.3), dbSNP rs1189655931, ClinGen allele CA2578582270.
Genomic context (GRCh38, chr6:33,188,974, plus strand): 5'-GGGTTTGGGGGCACTTCCTCCTGAAAGTGTGGGCCAGGCAGACCAGAGGAGCAAACAAAC[T>C]TACTTGCCATCTGCTAGGCTGAGGCCTCGGAAGACTGGCTGAGAGGGAGGTTGAGGCCGC-3'

ClinVar aggregate classification (germline): Uncertain significance (1 of 4 stars; one submission).

gnomAD v4.1: 4 of 1,614,176 alleles (0.00025%); highest among the groups gnomAD compares: Admixed American, 0.0017%; no homozygotes.

Submission:

Labcorp Genetics (formerly Invitae), Labcorp
Classification: Uncertain significance. Last evaluated: 2025-10-08. Review status: criteria provided, single submitter. Criteria: Invitae Variant Classification Sherloc (09022015). Collection method: clinical testing. Allele origin: germline.
Comment: This sequence change falls in intron 3 of the COL11A2 gene. It does not directly change the encoded amino acid sequence of the COL11A2 protein. It affects a nucleotide within the consensus splice site. This variant is not present in population databases (gnomAD no frequency). This variant has not been reported in the literature in individuals affected with COL11A2-related conditions. ClinVar contains an entry for this variant (Variation ID: 2962123). Variants that disrupt the consensus splice site are a relatively common cause of aberrant splicing (PMID: 17576681, 9536098). Algorithms developed to predict the effect of sequence changes on RNA splicing suggest that this variant may create or strengthen a splice site. In summary, the available evidence is currently insufficient to determine the role of this variant in disease. Therefore, it has been classified as a Variant of Uncertain Significance.

Literature cited by the submitters: PubMed 17576681; PubMed 9536098.